The following is an entry in ClinVar:

ClinVar aggregate classification (germline): Pathogenic (1 of 4 stars; one submission).

Allele frequency attached by ClinVar (database versions not stated): gnomAD exomes below 0.00001.
gnomAD v4.1: 1 of 1,614,064 alleles (0.000062%); highest among the groups gnomAD compares: South Asian, 0.0011%; no homozygotes.

Submission:

Labcorp Genetics (formerly Invitae), Labcorp
Classification: Pathogenic. Last evaluated: 2020-11-06. Review status: criteria provided, single submitter. Criteria: Invitae Variant Classification Sherloc (09022015). Collection method: clinical testing. Allele origin: germline.
Comment: This variant is not present in population databases (ExAC no frequency). This sequence change results in a premature translational stop signal in the PPOX gene (p.Trp427*). While this is not anticipated to result in nonsense mediated decay, it is expected to disrupt the last 51 amino acids of the PPOX protein. For these reasons, this variant has been classified as Pathogenic. This variant disrupts the C-terminus of the PPOX protein. Other variant(s) that disrupt this region (p.Gln435*) have been determined to be pathogenic (PMID: 10486317, 11348478). This suggests that variants that disrupt this region of the protein are likely to be causative of disease. This variant has been observed in individuals with variegate porphyria (PMID: 10486317, Invitae).

Literature cited by the submitters: PubMed 10486317; PubMed 11348478.

NM_001122764.3(PPOX):c.1280G>A (p.Trp427Ter)

Gene: PPOX (protoporphyrinogen oxidase; plus strand). Cytogenetic location: 1q23.3.
Variant type: single nucleotide variant.
Coding change: c.1280G>A on transcript NM_001122764.3 (MANE Select); coding-DNA position 1280, G replaced by A.
Protein change: p.Trp427Ter; replaces tryptophan 427 with a stop codon.
Molecular consequence: nonsense.
Genome position (GRCh38, 1-based): chr1:161,170,938, G>A. VCF-style: chr1-161170938-G-A. GRCh37 (hg19) VCF-style: chr1-161140728-G-A.
Other names: c.1280G>A, p.Trp427Ter (NM_000309.5, NM_001365398.1); c.1181G>A, p.Trp394Ter (NM_001350128.2); c.872G>A, p.Trp291Ter (NM_001350129.2, NM_001365400.1); c.794G>A, p.Trp265Ter (NM_001350130.2, NM_001350131.2, NM_001365401.1); c.1169G>A, p.Trp390Ter (NM_001365399.1); short protein forms W265*, W291*, W390*, W394*, W427*.
Identifiers: ClinVar variation 1070454 (VCV001070454.9), dbSNP rs1485065423, ClinGen allele CA343358777.